The following is an entry in ClinVar:

ClinVar aggregate classification (germline): Pathogenic (1 of 4 stars; one submission).

Conditions:
Meckel syndrome, type 11 (MKS11). Identifiers: Orphanet 564, MedGen C3809352, MONDO:0014164, OMIM 615397.
Joubert syndrome 20 (JBTS20). Identifiers: Orphanet 475, MedGen C3554235, MONDO:0013994, OMIM 614970.

Submission:

Labcorp Genetics (formerly Invitae), Labcorp
Classification: Pathogenic for Joubert syndrome 20; Meckel syndrome, type 11. Last evaluated: 2022-08-22. Review status: criteria provided, single submitter. Criteria: Invitae Variant Classification Sherloc (09022015). Collection method: clinical testing. Allele origin: germline.
Comment: This sequence change affects a splice site in intron 3 of the TMEM231 gene. It is expected to disrupt RNA splicing. Variants that disrupt the donor or acceptor splice site typically lead to a loss of protein function (PMID: 16199547), and loss-of-function variants in TMEM231 are known to be pathogenic (PMID: 23012439, 23349226). Information on the frequency of this variant in the gnomAD database is not available, as this variant may be reported differently in the database. Disruption of this splice site has been observed in individual(s) with Joubert syndrome (PMID: 27449316). It has also been observed to segregate with disease in related individuals. This variant is the result of a gene conversion event and is comprised of four individual variants reported in the literature as c.742-1G>A, c.742A>G, c.747C>T, and c.752T>C. ClinVar contains an entry for this variant (Variation ID: 1388711). Algorithms developed to predict the effect of sequence changes on RNA splicing suggest that this variant may disrupt the consensus splice site. For these reasons, this variant has been classified as Pathogenic.

Literature cited by the submitters: PubMed 16199547; PubMed 23012439; PubMed 23349226; PubMed 27449316.

NM_001077418.3(TMEM231):c.583-1_593delinsAGTATCTGTGAC

Gene: TMEM231 (transmembrane protein 231; minus strand). Cytogenetic location: 16q23.1.
Variant type: Indel.
Coding change: c.583-1_593delinsAGTATCTGTGAC on transcript NM_001077418.3 (MANE Select); the canonical splice acceptor site of the intron before coding-DNA position 583 through coding-DNA position 593, GATATCCGTGAT replaced by AGTATCTGTGAC.
Molecular consequence: splice acceptor variant.
Genome position (GRCh38, 1-based): chr16:75,542,673-75,542,684, ATCACGGATATC replaced by GTCACAGATACT on the plus strand (GATATCCGTGAT replaced by AGTATCTGTGAC on the coding strand, the reverse complement: TMEM231 is on the minus strand). VCF-style: chr16-75542673-ATCACGGATATC-GTCACAGATACT. GRCh37 (hg19) VCF-style: chr16-75576571-ATCACGGATATC-GTCACAGATACT.
Other names: c.742-1_752delinsAGTATCTGTGAC (NM_001077416.2).
Identifiers: ClinVar variation 1960880 (VCV001960880.2), dbSNP rs2507323944, ClinGen allele CA2580092011.
Genomic context (GRCh38, chr16:75,542,673, plus strand): 5'-TGGTAGGCAGCAACAATATGGGTGAGGTCGTAGTCATAGGCAAAGGGGCTGGTCCCGTTG[ATCACGGATATC>GTCACAGATACT]TGGGACACGGGAGGAGGATGTGGTGTGAGCACCTGGGAGACTCCTCCCCTTTTCCTTCTA-3'